The following is an entry in ClinVar:

ClinVar aggregate classification (germline): Uncertain significance. Review status: criteria provided, multiple submitters, no conflicts (2 of 4 stars). 2 submissions from 2 submitters: Uncertain significance (2). Last evaluated 2025-09-03.

Conditions:
Left ventricular noncompaction 8 (LVNC8). Identifiers: Orphanet 154, Orphanet 54260, MedGen C3809288, MONDO:0014152, OMIM 615373.

Allele frequency attached by ClinVar (database versions not stated): gnomAD 0.00001; gnomAD exomes 0.00001; TOPMed below 0.00001.
gnomAD v4.1: 12 of 1,613,172 alleles (0.00074%); highest among the groups gnomAD compares: East Asian, 0.0022%; no homozygotes.

Submissions (2):

Labcorp Genetics (formerly Invitae), Labcorp
Classification: Uncertain significance for Left ventricular noncompaction 8. Last evaluated: 2025-09-03. Review status: criteria provided, single submitter. Criteria: Invitae Variant Classification Sherloc (09022015). Collection method: clinical testing. Allele origin: germline.
Comment: This sequence change replaces arginine, which is basic and polar, with histidine, which is basic and polar, at codon 336 of the PRDM16 protein (p.Arg336His). This variant is present in population databases (no rsID available, gnomAD 0.006%). This variant has not been reported in the literature in individuals affected with PRDM16-related conditions. ClinVar contains an entry for this variant (Variation ID: 2732724). An algorithm developed to predict the effect of missense changes on protein structure and function (PolyPhen-2) suggests that this variant is likely to be tolerated. In summary, the available evidence is currently insufficient to determine the role of this variant in disease. Therefore, it has been classified as a Variant of Uncertain Significance.

GeneDx
Classification: Uncertain significance. Last evaluated: 2024-07-31. Review status: criteria provided, single submitter. Criteria: GeneDx Variant Classification Process June 2021. Collection method: clinical testing. Allele origin: germline. Affected: yes.
Comment: Has not been previously published as pathogenic or benign to our knowledge; Not observed at significant frequency in large population cohorts (gnomAD); In silico analysis indicates that this missense variant does not alter protein structure/function

NM_022114.4(PRDM16):c.1007G>A (p.Arg336His)

Gene: PRDM16 (PR/SET domain 16; plus strand). Cytogenetic location: 1p36.32.
Variant type: single nucleotide variant.
Coding change: c.1007G>A on transcript NM_022114.4 (MANE Select); coding-DNA position 1007, G replaced by A.
Protein change: p.Arg336His; replaces arginine 336 with histidine.
Molecular consequence: missense variant.
Genome position (GRCh38, 1-based): chr1:3,404,861, G>A. VCF-style: chr1-3404861-G-A. GRCh37 (hg19) VCF-style: chr1-3321425-G-A.
Other names: c.1007G>A, p.Arg336His (NM_199454.3); c.1007G>A (NM_022114.3); short protein forms R336H.
Identifiers: ClinVar variation 2732724 (VCV002732724.4), dbSNP rs1220568010, ClinGen allele CA338005032.
Genomic context (GRCh38, chr1:3,404,861, plus strand): 5'-AGGCCTTCAACTGGAAGTCCAACCTCATCCGCCACCAGATGTCCCACGACAGCGGCAAAC[G>A]CTTCGAATGTGAAAACTGCGTGAAGGTAACCTGCGGGGCGGCCCCGTCTCAGCCCCGGGG-3'
Protein context (NP_071397.3, residues 326-346): RHQMSHDSGK[Arg336His]FECENCVKVF